The following is an entry in ClinVar:

ClinVar aggregate classification (germline): Uncertain significance. Review status: criteria provided, single submitter (1 of 4 stars). 2 submissions from 2 submitters: Uncertain significance (1). 1 of the submissions does not count toward it. Last evaluated 2021-08-28.

Conditions:
Very long chain acyl-CoA dehydrogenase deficiency (ACADVLD). Also called: VLCAD Deficiency; Very Long-Chain Acyl-Coenzyme A Dehydrogenase Deficiency. Identifiers: Orphanet 26793, MedGen C3887523, MONDO:0008723, OMIM 201475.

Submissions (2):

Labcorp Genetics (formerly Invitae), Labcorp
Classification: Uncertain significance for Very long chain acyl-CoA dehydrogenase deficiency. Last evaluated: 2021-08-28. Review status: criteria provided, single submitter. Criteria: Invitae Variant Classification Sherloc (09022015). Collection method: clinical testing. Allele origin: germline.
Comment: This sequence change replaces lysine with glutamic acid at codon 299 of the ACADVL protein (p.Lys299Glu). The lysine residue is highly conserved and there is a small physicochemical difference between lysine and glutamic acid. This variant is not present in population databases (ExAC no frequency). This missense change has been observed in individual(s) with a positive newborn screening result for ACADVL-related disease (PMID: 30950014). Algorithms developed to predict the effect of missense changes on protein structure and function are either unavailable or do not agree on the potential impact of this missense change (SIFT: "Deleterious"; PolyPhen-2: "Benign"; Align-GVGD: "Class C55"). In summary, the available evidence is currently insufficient to determine the role of this variant in disease. Therefore, it has been classified as a Variant of Uncertain Significance.

Neonatal Disease Screening Center, Medical Genetics Center, Huaihua City Maternal and Child Health Care Hospital
Classification: Uncertain significance for Very long chain acyl-CoA dehydrogenase deficiency. Review status: no assertion criteria provided. Criteria: ACMG Guidelines, 2015. Collection method: clinical testing. Allele origin: germline. Affected: yes. Observed: 1 variant allele. Not counted in ClinVar's aggregate classification.
Comment: PM2_P+PP3

Literature cited by the submitters: PubMed 30950014 (cited by Labcorp Genetics (formerly Invitae), Labcorp).

NM_000018.4(ACADVL):c.895A>G (p.Lys299Glu)

Gene: ACADVL (acyl-CoA dehydrogenase very long chain; plus strand). Cytogenetic location: 17p13.1.
Variant type: single nucleotide variant.
Coding change: c.895A>G on transcript NM_000018.4 (MANE Select); coding-DNA position 895, A replaced by G.
Protein change: p.Lys299Glu; replaces lysine 299 with glutamic acid.
Molecular consequence: missense variant.
Genome position (GRCh38, 1-based): chr17:7,222,683, A>G. VCF-style: chr17-7222683-A-G. GRCh37 (hg19) VCF-style: chr17-7126002-A-G.
Other names: c.829A>G, p.Lys277Glu (NM_001033859.3); c.964A>G, p.Lys322Glu (NM_001270447.2); c.667A>G, p.Lys223Glu (NM_001270448.2); short protein forms K277E, K299E, K223E, K322E.
Identifiers: ClinVar variation 1423321 (VCV001423321.7), dbSNP rs2142979869, ClinGen allele CA397723922.